The following is an entry in ClinVar:

ClinVar aggregate classification (germline): Uncertain significance (1 of 4 stars; one submission).

Conditions:
Oto-palato-digital syndrome, type II (OPD2). Also called: FACIOPALATOOSSEOUS SYNDROME; OPD II SYNDROME; Otopalatodigital Syndrome, Type II; Otopalatodigital Syndrome Type 2 (FLNA-OPD2). Identifiers: Orphanet 669, Orphanet 90652, MedGen C1844696, MONDO:0010571, OMIM 304120.
Heterotopia, periventricular, X-linked dominant (PVNH1). Also called: PERIVENTRICULAR NODULAR HETEROTOPIA 1; X-linked periventricular heterotopia; PERIVENTRICULAR NODULAR HETEROTOPIA 4; HETEROTOPIA, PERIVENTRICULAR, 1. Identifiers: Orphanet 2149, Orphanet 82004, MedGen C1848213, MONDO:0010233, OMIM 300049.
Frontometaphyseal dysplasia (FMD1). Identifiers: Orphanet 1826, MedGen C0265293, MONDO:0015942.
Melnick-Needles syndrome (MNS). Also called: MELNICK-NEEDLES OSTEODYSPLASTY; OSTEODYSPLASTY OF MELNICK AND NEEDLES; Melnick-Needles Syndrome (FLNA-MNS). Identifiers: Orphanet 2484, MedGen C0025237, MONDO:0010650, OMIM 309350.

Submission:

Labcorp Genetics (formerly Invitae), Labcorp
Classification: Uncertain significance for Oto-palato-digital syndrome, type II; Heterotopia, periventricular, X-linked dominant; Frontometaphyseal dysplasia; Melnick-Needles syndrome. Last evaluated: 2022-11-08. Review status: criteria provided, single submitter. Criteria: Invitae Variant Classification Sherloc (09022015). Collection method: clinical testing. Allele origin: germline.
Comment: This variant has not been reported in the literature in individuals affected with FLNA-related conditions. This sequence change replaces asparagine, which is neutral and polar, with aspartic acid, which is acidic and polar, at codon 948 of the FLNA protein (p.Asn948Asp). This variant is not present in population databases (gnomAD no frequency). Advanced modeling of protein sequence and biophysical properties (such as structural, functional, and spatial information, amino acid conservation, physicochemical variation, residue mobility, and thermodynamic stability) performed at Invitae indicates that this missense variant is not expected to disrupt FLNA protein function. In summary, the available evidence is currently insufficient to determine the role of this variant in disease. Therefore, it has been classified as a Variant of Uncertain Significance.

NM_001110556.2(FLNA):c.2842A>G (p.Asn948Asp)

Gene: FLNA (filamin A; minus strand). Cytogenetic location: Xq28.
Variant type: single nucleotide variant.
Coding change: c.2842A>G on transcript NM_001110556.2 (MANE Select); coding-DNA position 2842, A replaced by G.
Protein change: p.Asn948Asp; replaces asparagine 948 with aspartic acid.
Molecular consequence: missense variant.
Genome position (GRCh38, 1-based): chrX:154,361,772, T>C on the plus strand (A>G on the coding strand, the complement: FLNA is on the minus strand). VCF-style: chrX-154361772-T-C. GRCh37 (hg19) VCF-style: chrX-153590140-T-C.
Other names: c.2842A>G, p.Asn948Asp (NM_001456.4); short protein forms N948D.
Identifiers: ClinVar variation 2941427 (VCV002941427.3), dbSNP rs2522746019, ClinGen allele CA415231893.